The following is an entry in ClinVar:

ClinVar aggregate classification (germline): Pathogenic/Likely pathogenic. Review status: criteria provided, multiple submitters, no conflicts (2 of 4 stars). 16 submissions from 16 submitters: Pathogenic (13); Likely pathogenic (1). 2 of the submissions do not count toward it. Last evaluated 2026-03-02.

Conditions:
SLC26A4-related disorder. Also called: SLC26A4-related condition; SLC26A4-related disorders.
Rare genetic deafness. Identifiers: Orphanet 96210, MedGen C5680250.
Pendred syndrome (PDS). Also called: Pendred's syndrome; Pendred Syndrome (PDS); THYROID DYSHORMONOGENESIS 2B; THYROID HORMONOGENESIS, GENETIC DEFECT IN, 2B; DEAFNESS WITH GOITER; GOITER-DEAFNESS SYNDROME. Identifiers: Orphanet 705, MedGen C0271829, MONDO:0010134, OMIM 274600.
Autosomal recessive nonsyndromic hearing loss 4 (DFNB4). Also called: DEAFNESS, AUTOSOMAL RECESSIVE 4, WITH ENLARGED VESTIBULAR AQUEDUCT, DIGENIC; Nonsyndromic enlarged vestibular aqueduct (NSEVA); Deafness, autosomal recessive 4; Deafness, autosomal recessive 4, with enlarged vestibular aqueduct; FOXI1-Related Pendred Syndrome; KCNJ10-Related Pendred Syndrome. Identifiers: Orphanet 90636, MedGen C3538946, MONDO:0010933, OMIM 600791.

Allele frequency attached by ClinVar (database versions not stated): ExAC 0.00001; gnomAD 0.00002; gnomAD exomes 0.00002 and 0.00003; TOPMed 0.00002.
gnomAD v4.1: 51 of 1,609,164 alleles (0.0032%); highest among the groups gnomAD compares: Non-Finnish European, 0.0043%; no homozygotes.

Submissions (16):

PreventionGenetics, part of Exact Sciences
Classification: Pathogenic for SLC26A4-related condition. Last evaluated: 2026-03-02. Review status: criteria provided, single submitter. Criteria: ACMG Guidelines, 2015. Collection method: clinical testing. Allele origin: germline.
Comment: The SLC26A4 c.1588T>C variant is predicted to result in the amino acid substitution p.Tyr530His. This variant was reported along with a second causative variant in multiple individuals with Pendred syndrome (Coyle et al. 1998. PubMed ID: 9618167; Borck et al. 2003. PubMed ID: 12788906; Ladsous et al. 2014. PubMed ID: 24224479) and functional experiments demonstrated it impacted protein function (Choi et al. 2009. PubMed ID: 19204907). This variant is reported in 0.0044% of alleles in individuals of European (Non-Finnish) descent in gnomAD. This variant is interpreted as pathogenic.

GeneDx
Classification: Pathogenic. Last evaluated: 2026-02-12. Review status: criteria provided, single submitter. Criteria: GeneDx Variant Classification Process June 2021. Collection method: clinical testing. Allele origin: germline.
Comment: Not observed at significant frequency in large population cohorts (gnomAD); In silico analysis supports that this missense variant has a deleterious effect on protein structure/function; This variant is associated with the following publications: (PMID: 31589614, 16570074, 26683941, 26485571, 17876604, 33199029, 27861301, 19204907, 19040761, 9618167, 12788906, 26969326, 24224479, 15689455, 11317356, 36147510, 14679580, 15355436)

Natera, Inc.
Classification: Pathogenic for Pendred syndrome. Last evaluated: 2025-10-09. Review status: criteria provided, single submitter. Criteria: Natera Variant Classification Schema (03/2026). Collection method: clinical testing. Allele origin: germline.
Comment: The c.1588T>C variant in SLC26A4 is a missense variant predicted to cause substitution of tyrosine to histidine at amino acid 530. This variant is rare in the general population with a frequency below the threshold expected for the associated phenotype(s). This variant has been observed in one or more individuals affected with the associated recessive disease, as either homozygous or compound heterozygous with a second variant (PMID: 12788906, 26969326, 24224479, 15689455). Additionally, this variant has been observed to segregate in affected family members (PMID: 12788906). Computational prediction algorithms indicate this variant is likely to affect gene or protein function. Given the available evidence, this variant is classified as Pathogenic.

Labcorp Genetics (formerly Invitae), Labcorp
Classification: Pathogenic. Last evaluated: 2025-09-03. Review status: criteria provided, single submitter. Criteria: Invitae Variant Classification Sherloc (09022015). Collection method: clinical testing. Allele origin: germline.
Comment: This sequence change replaces tyrosine, which is neutral and polar, with histidine, which is basic and polar, at codon 530 of the SLC26A4 protein (p.Tyr530His). This variant is present in population databases (rs111033254, gnomAD 0.004%). This missense change has been observed in individual(s) with Pendred syndrome (PMID: 9618167, 12788906, 19204907, 24224479, 26969326). In at least one individual the data is consistent with being in trans (on the opposite chromosome) from a pathogenic variant. It has also been observed to segregate with disease in related individuals. ClinVar contains an entry for this variant (Variation ID: 4836). Invitae Evidence Modeling of protein sequence and biophysical properties (such as structural, functional, and spatial information, amino acid conservation, physicochemical variation, residue mobility, and thermodynamic stability) indicates that this missense variant is expected to disrupt SLC26A4 protein function with a positive predictive value of 95%. Experimental studies have shown that this missense change affects SLC26A4 function (PMID: 19204907). For these reasons, this variant has been classified as Pathogenic.

Equipe Genetique des Anomalies du Developpement, Université de Bourgogne
Classification: Pathogenic for Autosomal recessive nonsyndromic hearing loss 4. Last evaluated: 2024-07-10. Review status: criteria provided, single submitter. Criteria: ACMG Guidelines, 2015. Collection method: clinical testing. Allele origin: germline. Affected: yes.
Comment: The c.1588T>C variant implicates a highly conserved amino acid. In silico prediction scores are in favour of a damaging effect. This missense variant has been previously reported in ClinVar numerous times as likely pathogenic or pathogenic (VCV000004836.18). This variant present at a low frequency in gnomAD (v4.1.0), which is consistent with a recessive carrier frequency. Autosomal recessive pathogenic variants in the SLC26A4 gene are implicated in an autosomal recessive form of deafness with enlarged vestibular aqueduct, DFNB4 (OMIM #600791) and Pendred syndrome (OMIM #274600). According to the available evidence, this variant is considered to be pathogenic.

Fulgent Genetics
Classification: Likely pathogenic for Pendred syndrome; Autosomal recessive nonsyndromic hearing loss 4. Last evaluated: 2024-04-22. Review status: criteria provided, single submitter. Criteria: ACMG Guidelines, 2015. Collection method: clinical testing. Allele origin: germline.

Baylor Genetics
Classification: Pathogenic for Autosomal recessive nonsyndromic hearing loss 4. Last evaluated: 2024-03-27. Review status: criteria provided, single submitter. Criteria: ACMG Guidelines, 2015. Collection method: clinical testing. Allele origin: unknown.

Laboratory of Medical Genetics, National & Kapodistrian University of Athens
Classification: Pathogenic for Pendred syndrome. Last evaluated: 2024-02-01. Review status: criteria provided, single submitter. Criteria: ACMG Guidelines, 2015. Collection method: curation. Allele origin: germline. Affected: no.

Blueprint Genetics
Classification: Pathogenic for SLC26A4-related disorders. Last evaluated: 2022-09-21. Review status: criteria provided, single submitter. Criteria: ACMG Guidelines, 2015. Collection method: clinical testing. Allele origin: germline. Affected: yes. Observed: 4 variant alleles.

Women's Health and Genetics/Laboratory Corporation of America, LabCorp
Classification: Pathogenic for Pendred syndrome. Last evaluated: 2022-08-04. Review status: criteria provided, single submitter. Criteria: LabCorp Variant Classification Summary - May 2015. Collection method: clinical testing. Allele origin: germline.
Comment: Variant summary: SLC26A4 c.1588T>C (p.Tyr530His) results in a conservative amino acid change in the encoded protein sequence. Four of five in-silico tools predict a damaging effect of the variant on protein function. The variant allele was found at a frequency of 2e-05 in 251182 control chromosomes. c.1588T>C has been reported in the literature as a biallelic genotype in multiple individuals affected with Pendred syndrome (example, Coyle_1998, Borck_2003, Albert_2006). These data indicate that the variant is very likely to be associated with disease. At least one publication reports experimental evidence evaluating an impact on protein function demonstrating an effect on protein trafficking due to retention in the endoplasmic reticulum (ER) (Choi_2009). Six clinical diagnostic laboratories have submitted clinical-significance assessments for this variant to ClinVar after 2014 without evidence for independent evaluation. All laboratories classified the variant as pathogenic/likely pathogenic. Based on the evidence outlined above, the variant was classified as pathogenic.

Clinical Genetics Laboratory, Skane University Hospital Lund
Classification: Pathogenic. Last evaluated: 2022-05-27. Review status: criteria provided, single submitter. Criteria: ACMG Guidelines, 2015. Collection method: clinical testing. Allele origin: germline. Affected: yes.

Genome-Nilou Lab
Classification: Pathogenic for Pendred syndrome. Last evaluated: 2021-09-05. Review status: criteria provided, single submitter. Criteria: ACMG Guidelines, 2015. Collection method: clinical testing. Allele origin: germline. Affected: no.

Knight Diagnostic Laboratories, Oregon Health and Sciences University
Classification: Pathogenic for Pendred syndrome. Last evaluated: 2016-01-27. Review status: criteria provided, single submitter. Criteria: ACMG Guidelines, 2015. Collection method: clinical testing. Allele origin: germline. Affected: no. Study: CSER-NextGen.
Comment: The c.1588T>C (p.Tyr530His) missense variant in the SLC26A4 gene has been reported as a common deleterious variant associated with Pendred Syndrome (Coyle et al., 1998; Blons et al., 2004). This variant has been reported in several affected individuals, often in trans with a second deleterious variant (V138F, T410M, c.2089+1G>A, V422D, T416P, Y78C, F355S) (Blons et al., 2004; Banghova et al., 2008; Borck et al., 2009; Ladsous et al., 2014). Functional studies have shown this variant affects protein localization within the cell; additionally, some affected individuals harboring this variant have elevated thyroglobulin (Choi et al., 2009; Ladsous et al., 2014). This variant is reported at low frequency within the control population databases (Exome Sequencing Project [ESP] = NA; 1000 Genomes = NA; and ExAC = 0.002). Multiple in silico algorithms predict the variant to have a deleterious effect (GERP = 5.96; CADD = 26.2; PolyPhen = 1; SIFT = 0.02). In addition, reputable diagnostic laboratories have reported this variant as Pathogenic.Therefore, this collective evidence supports the classification of the c.1588T>C (p.Tyr530His) as an autosomal recessive Pathogenic variant for Pendred Syndrome/ Non-syndromic Hearing Loss DFNB4.

Laboratory for Molecular Medicine, Mass General Brigham Personalized Medicine
Classification: Pathogenic for Rare genetic deafness. Last evaluated: 2015-01-26. Review status: criteria provided, single submitter. Criteria: LMM Criteria. Collection method: clinical testing. Allele origin: germline. Inheritance: Autosomal recessive inheritance. Observed: 4 variant alleles.
Comment: The p.Tyr530His variant in SLC26A4 has been reported in at least 20 individuals with hearing loss with EVA and/or Mondini dysplasia or with Pendred syndrome (Al bert 2006, Banghova 2008, Blons 2004, Borck 2003, Campbell 2001, Choi 2009, Coyl e 1998, Prasad 2004, Pryor 2005, LMM unpublished data). The variant was compound heterozygous in at least 14 of those probands. This variant was present in 1/6 6632 of European chromosomes by the Exome Aggregation Consortium (ExAC; dbSNP rs111033254). Although this variant has been seen in the general population, its frequency is low enough to be consistent with a r ecessive carrier frequency. One study has shown that the Tyr530His variant impa cts protein function (Choi 2009). In summary, this variant meets our criteria to be classified as pathogenic.

Counsyl
Classification: Likely pathogenic for Pendred's syndrome. Last evaluated: 2015-01-21. Review status: no assertion criteria provided. Collection method: literature only. Allele origin: unknown. Inheritance: Autosomal recessive inheritance. Not counted in ClinVar's aggregate classification.

OMIM
Classification: Pathogenic for PENDRED SYNDROME. Last evaluated: 2009-04-01. Review status: no assertion criteria provided. Collection method: literature only. Allele origin: germline. Not counted in ClinVar's aggregate classification.

Literature cited by the submitters: PubMed 12788906 (cited by 6 submitters); PubMed 26969326 (cited by Natera, Inc. and Labcorp Genetics (formerly Invitae), Labcorp); PubMed 24224479 (cited by 3 submitters); PubMed 15689455 (cited by 3 submitters); PubMed 9618167 (cited by 4 submitters); PubMed 19204907 (cited by 5 submitters); PubMed 16570074 (cited by Women's Health and Genetics/Laboratory Corporation of America, LabCorp and Laboratory for Molecular Medicine, Mass General Brigham Personalized Medicine); PubMed 11317356 (cited by Laboratory for Molecular Medicine, Mass General Brigham Personalized Medicine and Counsyl); PubMed 15355436 (cited by Laboratory for Molecular Medicine, Mass General Brigham Personalized Medicine and Counsyl); PubMed 14679580 (cited by Laboratory for Molecular Medicine, Mass General Brigham Personalized Medicine); PubMed 17876604 (cited by Laboratory for Molecular Medicine, Mass General Brigham Personalized Medicine and Counsyl).

NM_000441.2(SLC26A4):c.1588T>C (p.Tyr530His)

Gene: SLC26A4 (solute carrier family 26 member 4; plus strand). Cytogenetic location: 7q22.3.
Variant type: single nucleotide variant.
Coding change: c.1588T>C on transcript NM_000441.2 (MANE Select); coding-DNA position 1588, T replaced by C.
Protein change: p.Tyr530His; replaces tyrosine 530 with histidine.
Molecular consequence: missense variant.
Genome position (GRCh38, 1-based): chr7:107,698,085, T>C. VCF-style: chr7-107698085-T-C. GRCh37 (hg19) VCF-style: chr7-107338530-T-C.
Other names: short protein forms Y530H.
Identifiers: ClinVar variation 4836 (VCV000004836.29), dbSNP rs111033254, ClinGen allele CA253313.